The following is an entry in ClinVar:

NM_004281.4(BAG3):c.1639A>G (p.Thr547Ala)

Gene: BAG3 (BAG cochaperone 3; plus strand). Cytogenetic location: 10q26.11.
Variant type: single nucleotide variant.
Coding change: c.1639A>G on transcript NM_004281.4 (MANE Select); coding-DNA position 1639, A replaced by G.
Protein change: p.Thr547Ala; replaces threonine 547 with alanine.
Molecular consequence: missense variant.
Genome position (GRCh38, 1-based): chr10:119,677,193, A>G. VCF-style: chr10-119677193-A-G. GRCh37 (hg19) VCF-style: chr10-121436705-A-G.
Other names: short protein forms T547A.
Identifiers: ClinVar variation 2944488 (VCV002944488.3), dbSNP rs1057523768, ClinGen allele CA378297755.

ClinVar aggregate classification (germline): Uncertain significance (1 of 4 stars; one submission).

Conditions:
Dilated cardiomyopathy 1HH (CMD1HH). Identifiers: Orphanet 154, MedGen C3151293, MONDO:0013479, OMIM 613881.
Myofibrillar myopathy 6. Identifiers: Orphanet 199340, MedGen C2751831, MONDO:0013061, OMIM 612954.

Submission:

Labcorp Genetics (formerly Invitae), Labcorp
Classification: Uncertain significance for Dilated cardiomyopathy 1HH; Myofibrillar myopathy 6. Last evaluated: 2023-02-18. Review status: criteria provided, single submitter. Criteria: Invitae Variant Classification Sherloc (09022015). Collection method: clinical testing. Allele origin: germline.
Comment: In summary, the available evidence is currently insufficient to determine the role of this variant in disease. Therefore, it has been classified as a Variant of Uncertain Significance. This variant is not present in population databases (gnomAD no frequency). This variant has not been reported in the literature in individuals affected with BAG3-related conditions. Advanced modeling of protein sequence and biophysical properties (such as structural, functional, and spatial information, amino acid conservation, physicochemical variation, residue mobility, and thermodynamic stability) performed at Invitae indicates that this missense variant is not expected to disrupt BAG3 protein function. This sequence change replaces threonine, which is neutral and polar, with alanine, which is neutral and non-polar, at codon 547 of the BAG3 protein (p.Thr547Ala).